The following is an entry in ClinVar:

NM_018896.5(CACNA1G):c.6949G>C (p.Glu2317Gln)

Gene: CACNA1G (calcium voltage-gated channel subunit alpha1 G; plus strand). Cytogenetic location: 17q21.33.
Variant type: single nucleotide variant.
Coding change: c.6949G>C on transcript NM_018896.5 (MANE Select); coding-DNA position 6949, G replaced by C.
Protein change: p.Glu2317Gln; replaces glutamic acid 2317 with glutamine.
Molecular consequence: missense variant. On other transcripts: non-coding transcript variant (5).
Genome position (GRCh38, 1-based): chr17:50,626,566, G>C. VCF-style: chr17-50626566-G-C. GRCh37 (hg19) VCF-style: chr17-48703927-G-C.
Other names: c.6760G>C, p.Glu2254Gln (NM_001256324.2); c.6691G>C, p.Glu2231Gln (NM_001256325.2); c.6679G>C, p.Glu2227Gln (NM_001256326.2); c.6649G>C, p.Glu2217Gln (NM_001256327.2); c.6595G>C, p.Glu2199Gln (NM_001256328.2); c.6568G>C, p.Glu2190Gln (NM_001256329.2, NM_198387.3); c.6535G>C, p.Glu2179Gln (NM_001256330.2); c.6514G>C, p.Glu2172Gln (NM_001256331.2); and 18 more; short protein forms E2111Q, E2134Q, E2145Q, E2167Q, E2172Q, E2179Q, E2183Q, E2186Q.
Identifiers: ClinVar variation 3340965 (VCV003340965.1).

ClinVar aggregate classification (germline): Uncertain significance (1 of 4 stars; one submission).

gnomAD v4.1: 2 of 1,593,002 alleles (0.00013%); highest among the groups gnomAD compares: African/African-American, 0.0027%; no homozygotes.

Submission:

GeneDx
Classification: Uncertain significance. Last evaluated: 2023-08-15. Review status: criteria provided, single submitter. Criteria: GeneDx Variant Classification Process June 2021. Collection method: clinical testing. Allele origin: germline. Affected: yes.
Comment: Not observed at significant frequency in large population cohorts (gnomAD); In silico analysis supports that this missense variant does not alter protein structure/function; Has not been previously published as pathogenic or benign to our knowledge